The following is an entry in ClinVar:

NM_001267550.2(TTN):c.62506_62510del (p.Lys20835_Arg20836insTer)

Genes: TTN (titin; minus strand), TTN-AS1 (TTN antisense RNA 1; plus strand). Cytogenetic location: 2q31.2.
Variant type: Deletion.
Coding change: c.62506_62510del on transcript NM_001267550.2 (MANE Select); coding-DNA positions 62506 to 62510, 5 bases deleted (CGAAG; older notation c.62506_62510delCGAAG).
Protein change: p.Lys20835_Arg20836insTer.
Molecular consequence: nonsense.
Genome position (GRCh38, 1-based): chr2:178,589,215-178,589,219, CTTCG deleted on the plus strand (CGAAG on the coding strand, the reverse complement: TTN is on the minus strand); deleting any 5 consecutive bases within chr2:178,589,215-178,589,222 gives the same sequence; the c. name uses the placement nearest the transcript's 3' end. VCF-style (leftmost placement, unchanged base first): chr2-178589214-ACTTCG-A. GRCh37 (hg19) VCF-style: chr2-179453941-ACTTCG-A.
Other names: c.57583_57587del, p.Lys19194_Arg19195insTer (NM_001256850.1); c.35311_35315del, p.Lys11770_Arg11771insTer (NM_003319.4); c.54802_54806del, p.Lys18267_Arg18268insTer (NM_133378.4); c.35686_35690del, p.Lys11895_Arg11896insTer (NM_133432.3); c.35887_35891del, p.Lys11962_Arg11963insTer (NM_133437.4); c.35311_35315delCGAAG (NM_003319.4).
Identifiers: ClinVar variation 3812267 (VCV003812267.2).

ClinVar aggregate classification (germline): Pathogenic/Likely pathogenic. Review status: criteria provided, multiple submitters, no conflicts (2 of 4 stars). 2 submissions from 2 submitters: Pathogenic (1); Likely pathogenic (1). Last evaluated 2025-06-07.

Conditions:
Cardiovascular phenotype. Identifiers: MedGen CN230736.
Autosomal recessive limb-girdle muscular dystrophy type 2J (LGMDR10). Also called: Limb-girdle muscular dystrophy, type 2J; MUSCULAR DYSTROPHY, LIMB-GIRDLE, AUTOSOMAL RECESSIVE 10. Identifiers: Orphanet 140922, MedGen C1837342, MONDO:0012127, OMIM 608807.
Dilated cardiomyopathy 1G (CMD1G). Identifiers: Orphanet 154, MedGen C1858763, MONDO:0011400, OMIM 604145.

Submissions (2):

Labcorp Genetics (formerly Invitae), Labcorp
Classification: Pathogenic for Dilated cardiomyopathy 1G; Autosomal recessive limb-girdle muscular dystrophy type 2J. Last evaluated: 2025-06-07. Review status: criteria provided, single submitter. Criteria: Invitae Variant Classification Sherloc (09022015). Collection method: clinical testing. Allele origin: germline.
Comment: This sequence change creates a premature translational stop signal (p.Arg20836*) in the TTN gene. While this is not anticipated to result in nonsense mediated decay, it is expected to create a truncated TTN protein. This variant is not present in population databases (gnomAD no frequency). This premature translational stop signal has been observed in individuals with autosomal dominant dilated cardiomyopathy (internal data). ClinVar contains an entry for this variant (Variation ID: 3812267). This variant is located in the A band of TTN (PMID: 25589632). Truncating variants in this region are significantly overrepresented in patients affected with dilated cardiomyopathy (PMID: 25589632). Truncating variants in this region have also been reported in individuals affected with autosomal recessive centronuclear myopathy (PMID: 23975875). For these reasons, this variant has been classified as Pathogenic.

Ambry Genetics
Classification: Likely pathogenic for Cardiovascular phenotype. Last evaluated: 2025-02-11. Review status: criteria provided, single submitter. Criteria: Ambry Variant Classification Scheme 2023. Collection method: clinical testing. Allele origin: germline.
Comment: The c.35311_35315delCGAAG variant, located in coding exon 131 of the TTN gene, results from a deletion of 5 nucleotides at nucleotide positions 35311 to 35315, causing a translational frameshift with a predicted alternate stop codon (p.R11771*). This exon is located in the A-band region of the N2-B isoform of the titin protein and is constitutively expressed in TTN transcripts (percent spliced in or PSI 100%). This variant is considered to be rare based on population cohorts in the Genome Aggregation Database (gnomAD). This variant is expected to result in loss of function by premature protein truncation or nonsense-mediated mRNA decay. While truncating variants in TTN are present in 1-3% of the general population, truncating variants in the A-band are the most common cause of dilated cardiomyopathy (Herman DS et al. N. Engl. J. Med., 2012 Feb;366:619-28; Roberts AM et al. Sci Transl Med, 2015 Jan;7:270ra6). TTN truncating variants encoded in constitutive exons (PSI >90%) have been found to be significantly associated with DCM regardless of their position in titin (Schafer S et al. Nat. Genet., 2017 01;49:46-53; Akhtar MM et al. Circ Heart Fail, 2020 Oct;13:e006832; Massier M et al. Clin Genet, 2025 Jan). Based on the majority of available evidence to date, this variant is likely to be pathogenic.

Literature cited by the submitters: PubMed 25589632 (cited by Labcorp Genetics (formerly Invitae), Labcorp); PubMed 23975875 (cited by Labcorp Genetics (formerly Invitae), Labcorp).